The following is an entry in ClinVar:

ClinVar aggregate classification (germline): Uncertain significance (1 of 4 stars; one submission).

Allele frequency attached by ClinVar (database versions not stated): TOPMed 0.00006; gnomAD exomes below 0.00001; gnomAD 0.00005.
gnomAD v4.1: 16 of 1,614,078 alleles (0.00099%); highest among the groups gnomAD compares: Admixed American, 0.017%; no homozygotes.

Submission:

Ambry Genetics
Classification: Uncertain significance. Last evaluated: 2025-09-18. Review status: criteria provided, single submitter. Criteria: Ambry Variant Classification Scheme 2023. Collection method: clinical testing. Allele origin: germline.
Comment: The p.I502T variant (also known as c.1505T>C), located in coding exon 4 of the TMPO gene, results from a T to C substitution at nucleotide position 1505. The isoleucine at codon 502 is replaced by threonine, an amino acid with similar properties. This amino acid position is conserved. In addition, the in silico prediction for this alteration is inconclusive. Since supporting evidence is limited at this time, the clinical significance of this alteration remains unclear.

NM_001032283.3(TMPO):c.565+1924T>C

Gene: TMPO (thymopoietin; plus strand). Cytogenetic location: 12q23.1.
Variant type: single nucleotide variant.
Coding change: c.565+1924T>C on transcript NM_001032283.3 (MANE Select); 1924 bases into the intron after coding-DNA position 565, T replaced by C.
Molecular consequence: intron variant. On other transcripts: missense variant (1).
Genome position (GRCh38, 1-based): chr12:98,533,762, T>C. VCF-style: chr12-98533762-T-C. GRCh37 (hg19) VCF-style: chr12-98927540-T-C.
Other names: c.1505T>C, p.Ile502Thr (NM_003276.2); c.565+1924T>C (NM_001307975.2, NM_001032284.3); short protein forms I502T.
Identifiers: ClinVar variation 1774081 (VCV001774081.3), dbSNP rs911495532, ClinGen allele CA242224988.